The following is an entry in ClinVar:

NM_006767.4(LZTR1):c.678A>G (p.Pro226=)

Gene: LZTR1 (leucine zipper like post translational regulator 1; plus strand). Cytogenetic location: 22q11.21.
Variant type: single nucleotide variant.
Coding change: c.678A>G on transcript NM_006767.4 (MANE Select); coding-DNA position 678, A replaced by G.
Protein change: p.Pro226=; no amino-acid change (proline 226 retained).
Molecular consequence: synonymous variant.
Genome position (GRCh38, 1-based): chr22:20,990,412, A>G. VCF-style: chr22-20990412-A-G. GRCh37 (hg19) VCF-style: chr22-21344701-A-G.
Identifiers: ClinVar variation 1572148 (VCV001572148.28), dbSNP rs200001328, ClinGen allele CA10118591.
Genomic context (GRCh38, chr22:20,990,412, plus strand): 5'-GAGGCCGGGGCTGAGCTGTCCTCTCCCCCTGCAGGTGGCCCAGAGTGGCGAGATCCCCCC[A>G]TCTTGCTGCAACTTCCCCGTGGCTGTGTGCCGGGACAAGATGTTTGTATTCTCTGGGCAA-3'
Protein context (NP_006758.2, residues 216-236): EEVAQSGEIP[Pro226=]SCCNFPVAVC

ClinVar aggregate classification (germline): Benign/Likely benign. Review status: criteria provided, multiple submitters, no conflicts (2 of 4 stars). 6 submissions from 6 submitters: Benign (1); Likely benign (5). Last evaluated 2025-08-09.

Conditions:
Cardiovascular phenotype. Identifiers: MedGen CN230736.
Hereditary cancer-predisposing syndrome. Also called: Tumor predisposition; Neoplastic Syndromes, Hereditary; Hereditary Cancer Syndrome; Hereditary neoplastic syndrome. Identifiers: Orphanet 140162, MedGen C0027672, MeSH D009386, MONDO:0015356.
LZTR1-related schwannomatosis. Also called: Schwannomatosis-2, susceptibility to; Schwannomatosis 2. Identifiers: Orphanet 93921, MedGen C3810283, MONDO:0014299, OMIM 615670.
Noonan syndrome 10 (NS10). Identifiers: Orphanet 648, MedGen C4225280, MONDO:0014693, OMIM 616564.
Noonan syndrome 2 (NS2). Identifiers: Orphanet 648, MedGen C1854469, MONDO:0011531, OMIM 605275.

gnomAD v4.1: 43 of 1,613,984 alleles (0.0027%); highest among the groups gnomAD compares: South Asian, 0.046%; 1 homozygote.

Submissions (6):

Labcorp Genetics (formerly Invitae), Labcorp
Classification: Likely benign. Last evaluated: 2025-08-09. Review status: criteria provided, single submitter. Criteria: Invitae Variant Classification Sherloc (09022015). Collection method: clinical testing. Allele origin: germline.

CeGaT Center for Human Genetics Tuebingen
Classification: Likely benign. Last evaluated: 2024-09-01. Review status: criteria provided, single submitter. Criteria: CeGaT Center For Human Genetics Tuebingen Variant Classification Criteria Version 2. Collection method: clinical testing. Allele origin: germline. Affected: yes. Observed: 1 variant allele.
Comment: LZTR1: BP4, BP7

Women's Health and Genetics/Laboratory Corporation of America, LabCorp
Classification: Benign. Last evaluated: 2024-03-03. Review status: criteria provided, single submitter. Criteria: LabCorp Variant Classification Summary - May 2015. Collection method: clinical testing. Allele origin: germline.

Department of Pathology and Laboratory Medicine, Sinai Health System
Classification: Likely benign for Noonan syndrome 2; LZTR1-related schwannomatosis; Noonan syndrome 10. Last evaluated: 2022-08-17. Review status: criteria provided, single submitter. Criteria: ACMG Guidelines, 2015. Collection method: clinical testing. Allele origin: germline. Affected: yes.

Ambry Genetics
Classification: Likely benign for Cardiovascular phenotype; Hereditary cancer-predisposing syndrome. Last evaluated: 2019-10-10. Review status: criteria provided, single submitter. Criteria: Ambry Variant Classification Scheme 2023. Collection method: clinical testing. Allele origin: germline.

Blueprint Genetics
Classification: Likely benign. Last evaluated: 2018-07-15. Review status: criteria provided, single submitter. Criteria: ACMG Guidelines, 2015. Collection method: clinical testing. Allele origin: germline.